The following is an entry in ClinVar:

NM_000136.3(FANCC):c.1106del (p.Lys369fs)

Genes: AOPEP (aminopeptidase O (putative); plus strand), FANCC (FA complementation group C; minus strand). Cytogenetic location: 9q22.32.
Variant type: Deletion.
Coding change: c.1106del on transcript NM_000136.3 (MANE Select); coding-DNA position 1106, one base deleted (A; older notation c.1106delA).
Protein change: p.Lys369fs; shifts the reading frame from lysine 369.
Molecular consequence: frameshift variant.
Genome position (GRCh38, 1-based): chr9:95,114,677, T deleted on the plus strand (A on the coding strand, the reverse complement: FANCC is on the minus strand); the first of 2 consecutive T bases (chr9:95,114,677-95,114,678); deleting either gives the same sequence. VCF-style (leftmost placement, unchanged base first): chr9-95114676-CT-C. GRCh37 (hg19) VCF-style: chr9-97876958-CT-C.
Other names: c.1106del, p.Lys369fs (NM_001243743.2, NM_001243744.2); short protein forms K369fs.
Identifiers: ClinVar variation 2100211 (VCV002100211.4), dbSNP rs2540948320, ClinGen allele CA2580080689.

ClinVar aggregate classification (germline): Pathogenic (1 of 4 stars; one submission).

Conditions:
Fanconi anemia (FA). Also called: Fanconi's anemia. Identifiers: Orphanet 84, MedGen C0015625, MeSH D005199, MONDO:0019391.

Submission:

Labcorp Genetics (formerly Invitae), Labcorp
Classification: Pathogenic for Fanconi anemia. Last evaluated: 2022-03-12. Review status: criteria provided, single submitter. Criteria: Invitae Variant Classification Sherloc (09022015). Collection method: clinical testing. Allele origin: germline.
Comment: For these reasons, this variant has been classified as Pathogenic. This variant has not been reported in the literature in individuals affected with FANCC-related conditions. This variant is not present in population databases (gnomAD no frequency). This sequence change creates a premature translational stop signal (p.Lys369Serfs*44) in the FANCC gene. It is expected to result in an absent or disrupted protein product. Loss-of-function variants in FANCC are known to be pathogenic (PMID: 17924555).

Literature cited by the submitters: PubMed 17924555.